The following is an entry in ClinVar:

NM_001009944.3(PKD1):c.436C>G (p.Arg146Gly)

Gene: PKD1 (polycystin 1, transient receptor potential channel interacting; minus strand). Cytogenetic location: 16p13.3.
Variant type: single nucleotide variant.
Coding change: c.436C>G on transcript NM_001009944.3 (MANE Select); coding-DNA position 436, C replaced by G.
Protein change: p.Arg146Gly; replaces arginine 146 with glycine.
Molecular consequence: missense variant.
Genome position (GRCh38, 1-based): chr16:2,118,769, G>C on the plus strand (C>G on the coding strand, the complement: PKD1 is on the minus strand). VCF-style: chr16-2118769-G-C. GRCh37 (hg19) VCF-style: chr16-2168770-G-C.
Other names: c.436C>G, p.Arg146Gly (NM_000296.4); short protein forms R146G.
Identifiers: ClinVar variation 3383010 (VCV003383010.2).

ClinVar aggregate classification (germline): Uncertain significance (1 of 4 stars; one submission).

Conditions:
Polycystic kidney disease, adult type (PKD1). Also called: POLYCYSTIC KIDNEY DISEASE, ADULT, TYPE I; Polycystic Kidney Disease 1, Autosomal Dominant; Polycystic kidney disease 1; Polycystic kidney disease 1, severe; Polycystic Kidney, Autosomal Dominant; POLYCYSTIC KIDNEY DISEASE 1 WITH OR WITHOUT POLYCYSTIC LIVER DISEASE. Identifiers: MedGen C3149841, MONDO:0008263, OMIM 173900.

Submission:

Juno Genomics, Hangzhou Juno Genomics, Inc
Classification: Uncertain significance for Polycystic kidney disease, adult type. Review status: criteria provided, single submitter. Criteria: ACMG Guidelines, 2015. Collection method: clinical testing. Allele origin: germline. Affected: yes.
Comment: Absent from controls (or at extremely low frequency if recessive) in Genome Aggregation Database, Exome Sequencing Project, 1000 Genomes Project, or Exome Aggregation Consortium.